The following is an entry in ClinVar:

NM_000052.7(ATP7A):c.4263del (p.Ala1422fs)

Gene: ATP7A (ATPase copper transporting alpha; plus strand). Cytogenetic location: Xq21.1.
Variant type: Deletion.
Coding change: c.4263del on transcript NM_000052.7 (MANE Select); coding-DNA position 4263, one base deleted (T; older notation c.4263delT).
Protein change: p.Ala1422fs; shifts the reading frame from alanine 1422.
Molecular consequence: frameshift variant. On other transcripts: non-coding transcript variant (1).
Genome position (GRCh38, 1-based): chrX:78,046,330, T deleted. VCF-style (leftmost placement, unchanged base first): chrX-78046329-CT-C. GRCh37 (hg19) VCF-style: chrX-77301826-CT-C.
Other names: c.4029del, p.Ala1344fs (NM_001282224.2); short protein forms A1422fs, A1344fs.
Identifiers: ClinVar variation 2951709 (VCV002951709.3), dbSNP rs2522427388, ClinGen allele CA2740092200.
Genomic context (GRCh38, chrX:78,046,329, plus strand): 5'-CTAGCATACTTTTGCATATGTCCAGTTACAGGAAACCAACTTACGAGAGTTATGAACTGC[CT>C]GCCCGGAGCCAGATAGGACAGAAGAGTCCTTCAGAAATCAGCGTTCATGTTGGAATAGAT-3'

ClinVar aggregate classification (germline): Uncertain significance (1 of 4 stars; one submission).

Conditions:
Menkes kinky-hair syndrome (MNK). Also called: Classic Menkes Disease; Copper transport disease; Menkes Disease. Identifiers: Orphanet 565, MedGen C0022716, MONDO:0010651, OMIM 309400.
Cutis laxa, X-linked (OHS). Also called: EDS IX; Occipital horn syndrome. Identifiers: Orphanet 198, MedGen C0268353, MONDO:0010572, OMIM 304150.
X-linked distal spinal muscular atrophy type 3. Also called: ATP7A-Related Distal Motor Neuropathy; SPINAL MUSCULAR ATROPHY, DISTAL, X-LINKED RECESSIVE; NEURONOPATHY, DISTAL HEREDITARY MOTOR, X-LINKED; NEUROPATHY, DISTAL HEREDITARY MOTOR, X-LINKED. Identifiers: Orphanet 139557, MedGen C1845359, MONDO:0010338, OMIM 300489.

Submission:

Labcorp Genetics (formerly Invitae), Labcorp
Classification: Uncertain significance for X-linked distal spinal muscular atrophy type 3; Cutis laxa, X-linked; Menkes kinky-hair syndrome. Last evaluated: 2023-09-08. Review status: criteria provided, single submitter. Criteria: Invitae Variant Classification Sherloc (09022015). Collection method: clinical testing. Allele origin: germline.
Comment: In summary, the available evidence is currently insufficient to determine the role of this variant in disease. Therefore, it has been classified as a Variant of Uncertain Significance. Experimental studies and prediction algorithms are not available or were not evaluated, and the functional significance of this variant is currently unknown. This variant has not been reported in the literature in individuals affected with ATP7A-related conditions. This variant is not present in population databases (gnomAD no frequency). This sequence change creates a premature translational stop signal (p.Ala1422Profs*5) in the ATP7A gene. While this is not anticipated to result in nonsense mediated decay, it is expected to disrupt the last 79 amino acid(s) of the ATP7A protein.